The following is an entry in ClinVar:

ClinVar aggregate classification (germline): Uncertain significance (1 of 4 stars; one submission).

Conditions:
Dilated cardiomyopathy 1II (CMD1II). Identifiers: Orphanet 154, MedGen C3554649, MONDO:0014073, OMIM 615184.

Submission:

Labcorp Genetics (formerly Invitae), Labcorp
Classification: Uncertain significance for Dilated cardiomyopathy 1II. Last evaluated: 2021-10-07. Review status: criteria provided, single submitter. Criteria: Invitae Variant Classification Sherloc (09022015). Collection method: clinical testing. Allele origin: germline.
Comment: In summary, the available evidence is currently insufficient to determine the role of this variant in disease. Therefore, it has been classified as a Variant of Uncertain Significance. Algorithms developed to predict the effect of missense changes on protein structure and function are either unavailable or do not agree on the potential impact of this missense change (SIFT: "Tolerated"; PolyPhen-2: "Possibly Damaging"; Align-GVGD: "Class C0"). This variant has not been reported in the literature in individuals affected with CRYAB-related conditions. This variant is not present in population databases (ExAC no frequency). This sequence change replaces threonine with isoleucine at codon 134 of the CRYAB protein (p.Thr134Ile). The threonine residue is moderately conserved and there is a moderate physicochemical difference between threonine and isoleucine.

NM_001289808.2(CRYAB):c.401C>T (p.Thr134Ile)

Gene: CRYAB (crystallin alpha B; minus strand). Cytogenetic location: 11q23.1.
Variant type: single nucleotide variant.
Coding change: c.401C>T on transcript NM_001289808.2 (MANE Select); coding-DNA position 401, C replaced by T.
Protein change: p.Thr134Ile; replaces threonine 134 with isoleucine.
Molecular consequence: missense variant.
Genome position (GRCh38, 1-based): chr11:111,908,891, G>A on the plus strand (C>T on the coding strand, the complement: CRYAB is on the minus strand). VCF-style: chr11-111908891-G-A. GRCh37 (hg19) VCF-style: chr11-111779615-G-A.
Other names: c.401C>T, p.Thr134Ile (NM_001289807.1, NM_001368245.1, NM_001885.3); c.200C>T, p.Thr67Ile (NM_001330379.1, NM_001368246.1); short protein forms T134I, T67I.
Identifiers: ClinVar variation 1523401 (VCV001523401.6), dbSNP rs2137378724, ClinGen allele CA382596268.